The following is an entry in ClinVar:

NM_015512.5(DNAH1):c.1144C>T (p.Arg382Cys)

Gene: DNAH1 (dynein axonemal heavy chain 1; plus strand). Cytogenetic location: 3p21.1.
Variant type: single nucleotide variant.
Coding change: c.1144C>T on transcript NM_015512.5 (MANE Select); coding-DNA position 1144, C replaced by T.
Protein change: p.Arg382Cys; replaces arginine 382 with cysteine.
Molecular consequence: missense variant.
Genome position (GRCh38, 1-based): chr3:52,332,252, C>T. VCF-style: chr3-52332252-C-T. GRCh37 (hg19) VCF-style: chr3-52366268-C-T.
Other names: short protein forms R382C.
Identifiers: ClinVar variation 2142458 (VCV002142458.4), dbSNP rs546902854, ClinGen allele CA2432887.
Genomic context (GRCh38, chr3:52,332,252, plus strand): 5'-CTCTTCTGCGCTGAGGACCCTTGCATGTTCGCACAACGTGTGGTCCAGGCCAACGCCCTG[C>T]GCAAGAACACGGAAGCACTGCTGCTCTACAACTTGTATGTGGACTGCATGCCCTCTGACG-3'
Protein context (NP_056327.4, residues 372-392): AQRVVQANAL[Arg382Cys]KNTEALLLYN

ClinVar aggregate classification (germline): Uncertain significance (1 of 4 stars; one submission).

Conditions:
Spermatogenic failure 18. Identifiers: MedGen C4539783, MONDO:0054615, OMIM 617576.
Ciliary dyskinesia, primary, 37 (CILD37). Also called: CILIARY DYSKINESIA, PRIMARY, 37, WITH OR WITHOUT SITUS INVERSUS. Identifiers: MedGen C4539798, MONDO:0033204, OMIM 617577.

Allele frequency attached by ClinVar (database versions not stated): ExAC 0.00001; gnomAD exomes 0.00001; TOPMed 0.00001.
gnomAD v4.1: 8 of 1,613,990 alleles (0.0005%); highest among the groups gnomAD compares: South Asian, 0.0033%; no homozygotes.

Submission:

Labcorp Genetics (formerly Invitae), Labcorp
Classification: Uncertain significance for Ciliary dyskinesia, primary, 37; Spermatogenic failure 18. Last evaluated: 2022-07-14. Review status: criteria provided, single submitter. Criteria: Invitae Variant Classification Sherloc (09022015). Collection method: clinical testing. Allele origin: germline.
Comment: This variant has not been reported in the literature in individuals affected with DNAH1-related conditions. This sequence change replaces arginine, which is basic and polar, with cysteine, which is neutral and slightly polar, at codon 382 of the DNAH1 protein (p.Arg382Cys). This variant is present in population databases (rs546902854, gnomAD 0.007%). Algorithms developed to predict the effect of missense changes on protein structure and function are either unavailable or do not agree on the potential impact of this missense change (SIFT: "Deleterious"; PolyPhen-2: "Probably Damaging"; Align-GVGD: "Class C0"). In summary, the available evidence is currently insufficient to determine the role of this variant in disease. Therefore, it has been classified as a Variant of Uncertain Significance.